The following is an entry in ClinVar:

ClinVar aggregate classification (germline): Likely pathogenic (1 of 4 stars; one submission).

gnomAD v4.1: 1 of 1,614,026 alleles (0.000062%); no homozygotes.

Submission:

Labcorp Genetics (formerly Invitae), Labcorp
Classification: Likely pathogenic. Last evaluated: 2020-06-30. Review status: criteria provided, single submitter. Criteria: Invitae Variant Classification Sherloc (09022015). Collection method: clinical testing. Allele origin: germline.
Comment: In summary, the currently available evidence indicates that the variant is pathogenic, but additional data are needed to prove that conclusively. Therefore, this variant has been classified as Likely Pathogenic. This sequence change replaces arginine with serine at codon 145 of the SLC12A3 protein (p.Arg145Ser). The arginine residue is highly conserved and there is a moderate physicochemical difference between arginine and serine. This variant is not present in population databases (ExAC no frequency). This variant has been observed in individual(s) with Gitelman syndrome (PMID: 31672324, 20675610). Algorithms developed to predict the effect of missense changes on protein structure and function are either unavailable or do not agree on the potential impact of this missense change (SIFT: "Tolerated"; PolyPhen-2: "Probably Damaging"; Align-GVGD: "Class C0"). Algorithms developed to predict the effect of sequence changes on RNA splicing suggest that this variant may create or strengthen a splice site, but this prediction has not been confirmed by published transcriptional studies. This variant disrupts the p.Arg145 amino acid residue in SLC12A3. Other variant(s) that disrupt this residue have been determined to be pathogenic (PMID: 31672324, 22934535). This suggests that this residue is clinically significant, and that variants that disrupt this residue are likely to be disease-causing.

Literature cited by the submitters: PubMed 31672324; PubMed 20675610; PubMed 22934535.

NM_001126108.2(SLC12A3):c.433C>A (p.Arg145Ser)

Gene: SLC12A3 (solute carrier family 12 member 3; plus strand). Cytogenetic location: 16q13.
Variant type: single nucleotide variant.
Coding change: c.433C>A on transcript NM_001126108.2 (MANE Select); coding-DNA position 433, C replaced by A.
Protein change: p.Arg145Ser; replaces arginine 145 with serine.
Molecular consequence: missense variant.
Genome position (GRCh38, 1-based): chr16:56,868,300, C>A. VCF-style: chr16-56868300-C-A. GRCh37 (hg19) VCF-style: chr16-56902212-C-A.
Other names: c.433C>A, p.Arg145Ser (NM_000339.3); c.430C>A, p.Arg144Ser (NM_001126107.2); short protein forms R144S, R145S.
Identifiers: ClinVar variation 1065972 (VCV001065972.9), dbSNP rs148945966, ClinGen allele CA395979367.